The following is an entry in ClinVar:

ClinVar aggregate classification (germline): Benign/Likely benign. Review status: criteria provided, multiple submitters, no conflicts (2 of 4 stars). 4 submissions from 4 submitters: Benign (3); Likely benign (1). Last evaluated 2026-02-02.

Conditions:
Spastic paraplegia. Identifiers: HP:0007216, MedGen C0037772.

Allele frequency attached by ClinVar (database versions not stated): gnomAD exomes 0.00055; ExAC 0.00062; gnomAD 0.00216 and 0.00237; TOPMed 0.00233; 1000 Genomes Project 0.00240; ESP Exome Variant Server 0.00254; 1000 Genomes Project 30x 0.00265.
gnomAD v4.1: 650 of 1,613,780 alleles (0.04%); highest among the groups gnomAD compares: African/African-American, 0.74%; 2 homozygotes.

Submissions (4):

Labcorp Genetics (formerly Invitae), Labcorp
Classification: Benign for Spastic paraplegia. Last evaluated: 2026-02-02. Review status: criteria provided, single submitter. Criteria: Invitae Variant Classification Sherloc (09022015). Collection method: clinical testing. Allele origin: germline.

Blueprint Genetics
Classification: Likely benign. Last evaluated: 2024-11-14. Review status: criteria provided, single submitter. Criteria: ACMG Guidelines, 2015. Collection method: clinical testing. Allele origin: germline.

GeneDx
Classification: Benign. Last evaluated: 2016-08-16. Review status: criteria provided, single submitter. Criteria: GeneDx Variant Classification (06012015). Collection method: clinical testing. Allele origin: germline. Affected: yes.
Comment: This variant is considered likely benign or benign based on one or more of the following criteria: it is a conservative change, it occurs at a poorly conserved position in the protein, it is predicted to be benign by multiple in silico algorithms, and/or has population frequency not consistent with disease.

Breakthrough Genomics
Classification: Benign. Review status: criteria provided, single submitter. Criteria: ACMG Guidelines, 2015. Collection method: not provided. Allele origin: germline. Inheritance: Autosomal dominant inheritance. Affected: yes.

NM_004984.4(KIF5A):c.446-18T>C

Gene: KIF5A (kinesin family member 5A; plus strand). Cytogenetic location: 12q13.3.
Variant type: single nucleotide variant.
Coding change: c.446-18T>C on transcript NM_004984.4 (MANE Select); 18 bases into the intron before coding-DNA position 446, T replaced by C.
Molecular consequence: intron variant.
Genome position (GRCh38, 1-based): chr12:57,564,900, T>C. VCF-style: chr12-57564900-T-C. GRCh37 (hg19) VCF-style: chr12-57958683-T-C.
Other names: c.179-18T>C (NM_001354705.2).
Identifiers: ClinVar variation 380832 (VCV000380832.11), dbSNP rs188999300, ClinGen allele CA6652595.